The following is an entry in ClinVar:

ClinVar aggregate classification (germline): Likely pathogenic (1 of 4 stars; one submission).

Conditions:
CYP1B1-related disorder. Also called: CYP1B1-Related Disorders. Identifiers: MedGen CN239260.

Submission:

PreventionGenetics, part of Exact Sciences
Classification: Likely pathogenic for CYP1B1-related condition. Last evaluated: 2026-07-26. Review status: criteria provided, single submitter. Criteria: ACMG Guidelines, 2015. Collection method: clinical testing. Allele origin: germline.
Comment: The CYP1B1 c.202C>T variant is predicted to result in premature protein termination (p.Gln68*). To our knowledge, this variant has not been reported in the literature or in a large population database (gnomAD), indicating this variant is rare. Nonsense variants in CYP1B1 are expected to be pathogenic. This variant is interpreted as likely pathogenic.

NM_000104.4(CYP1B1):c.202C>T (p.Gln68Ter)

Gene: CYP1B1 (cytochrome P450 family 1 subfamily B member 1; minus strand). Cytogenetic location: 2p22.2.
Variant type: single nucleotide variant.
Coding change: c.202C>T on transcript NM_000104.4 (MANE Select); coding-DNA position 202, C replaced by T.
Protein change: p.Gln68Ter; replaces glutamine 68 with a stop codon.
Molecular consequence: nonsense.
Genome position (GRCh38, 1-based): chr2:38,075,187, G>A on the plus strand (C>T on the coding strand, the complement: CYP1B1 is on the minus strand). VCF-style: chr2-38075187-G-A. GRCh37 (hg19) VCF-style: chr2-38302330-G-A.
Other names: short protein forms Q68*.
Identifiers: ClinVar variation 4985526 (VCV004985526.1).